The following is an entry in ClinVar:

NM_001286445.3(RIPOR2):c.1164+349T>G

Gene: RIPOR2 (RHO family interacting cell polarization regulator 2; minus strand). Cytogenetic location: 6p22.3.
Variant type: single nucleotide variant.
Coding change: c.1164+349T>G on transcript NM_001286445.3 (MANE Select); 349 bases into the intron after coding-DNA position 1164, T replaced by G.
Molecular consequence: intron variant. On other transcripts: missense variant (1).
Genome position (GRCh38, 1-based): chr6:24,847,676, A>C on the plus strand (T>G on the coding strand, the complement: RIPOR2 is on the minus strand). VCF-style: chr6-24847676-A-C. GRCh37 (hg19) VCF-style: chr6-24847904-A-C.
Other names: c.1093T>G, p.Ser365Ala (NM_014722.5); c.1077+349T>G (NM_001346031.2, NM_001346032.2, NM_015864.5 and 1 more transcripts); c.1179+349T>G (NM_001286446.3); c.1093T>G (NM_014722.3, NM_014722.2); short protein forms S365A.
Identifiers: ClinVar variation 1680508 (VCV001680508.10), dbSNP rs1458371438, ClinGen allele CA362995207.
Genomic context (GRCh38, chr6:24,847,676, plus strand): 5'-TGGCAAAGAAAGTGTCTTGCAAGGCACTCAAGACAGACAGCCGCCTGGGCTTGTCTGGGG[A>C]AGGATGCAGCCACCTCTTCAGAAGTGAAAGCAAGATGGGGGAGTTAGTGGGAAGAATCAG-3'

ClinVar aggregate classification (germline): Uncertain significance. Review status: criteria provided, multiple submitters, no conflicts (2 of 4 stars). 3 submissions from 3 submitters: Uncertain significance (3). Last evaluated 2025-08-21.

Allele frequency attached by ClinVar (database versions not stated): TOPMed below 0.00001; gnomAD 0.00001.

Submissions (3):

Ambry Genetics
Classification: Uncertain significance. Last evaluated: 2025-08-21. Review status: criteria provided, single submitter. Criteria: Ambry Variant Classification Scheme 2023. Collection method: clinical testing. Allele origin: germline.

GeneDx
Classification: Uncertain significance. Last evaluated: 2024-12-10. Review status: criteria provided, single submitter. Criteria: GeneDx Variant Classification Process June 2021. Collection method: clinical testing. Allele origin: germline. Affected: yes.
Comment: Not observed at significant frequency in large population cohorts (gnomAD); In silico analysis indicates that this missense variant does not alter protein structure/function; Has not been previously published as pathogenic or benign to our knowledge

Labcorp Genetics (formerly Invitae), Labcorp
Classification: Uncertain significance. Last evaluated: 2023-11-27. Review status: criteria provided, single submitter. Criteria: Invitae Variant Classification Sherloc (09022015). Collection method: clinical testing. Allele origin: germline.
Comment: This sequence change replaces serine, which is neutral and polar, with alanine, which is neutral and non-polar, at codon 365 of the FAM65B protein (p.Ser365Ala). This variant is not present in population databases (gnomAD no frequency). This variant has not been reported in the literature in individuals affected with FAM65B-related conditions. ClinVar contains an entry for this variant (Variation ID: 1680508). An algorithm developed to predict the effect of missense changes on protein structure and function (PolyPhen-2) suggests that this variant is likely to be tolerated. In summary, the available evidence is currently insufficient to determine the role of this variant in disease. Therefore, it has been classified as a Variant of Uncertain Significance.